The following is an entry in ClinVar:

ClinVar aggregate classification (germline): Likely benign. Review status: criteria provided, multiple submitters, no conflicts (2 of 4 stars). 4 submissions from 4 submitters: Likely benign (3). 1 of the submissions does not count toward it. Last evaluated 2026-02-03.

Conditions:
Peroxisome biogenesis disorder, complementation group K (CGK). Identifiers: MedGen C1866257, MONDO:0800365.
PEX14-related disorder. Also called: PEX14-related condition.

Allele frequency attached by ClinVar (database versions not stated): gnomAD exomes 0.00004 and 0.00010; gnomAD 0.00005 and 0.00006; TOPMed 0.00006; ESP Exome Variant Server 0.00008; ExAC 0.00012.
gnomAD v4.1: 65 of 1,613,798 alleles (0.004%); highest among the groups gnomAD compares: Admixed American, 0.038%; no homozygotes.

Submissions (4):

Labcorp Genetics (formerly Invitae), Labcorp
Classification: Likely benign for Peroxisome biogenesis disorder, complementation group K. Last evaluated: 2026-02-03. Review status: criteria provided, single submitter. Criteria: Invitae Variant Classification Sherloc (09022015). Collection method: clinical testing. Allele origin: germline.

Blueprint Genetics
Classification: Likely benign. Last evaluated: 2024-09-06. Review status: criteria provided, single submitter. Criteria: ACMG Guidelines, 2015. Collection method: clinical testing. Allele origin: germline.

CeGaT Center for Human Genetics Tuebingen
Classification: Likely benign. Last evaluated: 2024-04-01. Review status: criteria provided, single submitter. Criteria: CeGaT Center For Human Genetics Tuebingen Variant Classification Criteria Version 2. Collection method: clinical testing. Allele origin: germline. Affected: yes. Observed: 1 variant allele.
Comment: PEX14: BP4, BP7

PreventionGenetics, part of Exact Sciences
Classification: Likely benign for PEX14-related condition. Last evaluated: 2021-10-21. Review status: no assertion criteria provided. Collection method: clinical testing. Allele origin: germline. Not counted in ClinVar's aggregate classification.
Comment: This variant is classified as likely benign based on ACMG/AMP sequence variant interpretation guidelines (Richards et al. 2015 PMID: 25741868, with internal and published modifications).

NM_004565.3(PEX14):c.819G>A (p.Ser273=)

Gene: PEX14 (peroxisomal biogenesis factor 14; plus strand). Cytogenetic location: 1p36.22.
Variant type: single nucleotide variant.
Coding change: c.819G>A on transcript NM_004565.3 (MANE Select); coding-DNA position 819, G replaced by A.
Protein change: p.Ser273=; no amino-acid change (serine 273 retained).
Molecular consequence: synonymous variant.
Genome position (GRCh38, 1-based): chr1:10,629,672, G>A. VCF-style: chr1-10629672-G-A. GRCh37 (hg19) VCF-style: chr1-10689729-G-A.
Other names: c.819G>A (NM_004565.2).
Identifiers: ClinVar variation 1158803 (VCV001158803.31), dbSNP rs139518305, ClinGen allele CA583973.
Genomic context (GRCh38, chr1:10,629,672, plus strand): 5'-TGCGGCCGTGAACCACCACAGCAGCAGCGACATCTCACCTGTCAGCAACGAGTCCACGTC[G>A]TCCTCGCCTGGGAAGGAGGGCCACAGCCCCGAGGGCTCCACGGTCACCTACCACTTGCTG-3'
Protein context (NP_004556.1, residues 263-283): DISPVSNEST[Ser273=]SSPGKEGHSP